The following is an entry in ClinVar:

ClinVar aggregate classification (germline): Uncertain significance. Review status: criteria provided, multiple submitters, no conflicts (2 of 4 stars). 2 submissions from 2 submitters: Uncertain significance (2). Last evaluated 2022-02-22.

Conditions:
Inborn genetic diseases. Identifiers: MedGen C0950123, MeSH D030342.

Allele frequency attached by ClinVar (database versions not stated): gnomAD 0.00001.
gnomAD v4.1: 1 of 1,613,790 alleles (0.000062%); highest among the groups gnomAD compares: Admixed American, 0.0017%; no homozygotes.

Submissions (2):

Labcorp Genetics (formerly Invitae), Labcorp
Classification: Uncertain significance. Last evaluated: 2022-02-22. Review status: criteria provided, single submitter. Criteria: Invitae Variant Classification Sherloc (09022015). Collection method: clinical testing. Allele origin: germline.
Comment: This sequence change replaces proline, which is neutral and non-polar, with serine, which is neutral and polar, at codon 309 of the UNC80 protein (p.Pro309Ser). This variant is not present in population databases (gnomAD no frequency). This variant has not been reported in the literature in individuals affected with UNC80-related conditions. Algorithms developed to predict the effect of missense changes on protein structure and function are either unavailable or do not agree on the potential impact of this missense change (SIFT: "Not Available"; PolyPhen-2: "Benign"; Align-GVGD: "Not Available"). In summary, the available evidence is currently insufficient to determine the role of this variant in disease. Therefore, it has been classified as a Variant of Uncertain Significance.

Ambry Genetics
Classification: Uncertain significance for Inborn genetic diseases. Last evaluated: 2021-09-05. Review status: criteria provided, single submitter. Criteria: Ambry Variant Classification Scheme 2023. Collection method: clinical testing. Allele origin: germline.

NM_001371986.1(UNC80):c.925C>T (p.Pro309Ser)

Gene: UNC80 (unc-80 homolog, NALCN channel complex subunit; plus strand). Cytogenetic location: 2q34.
Variant type: single nucleotide variant.
Coding change: c.925C>T on transcript NM_001371986.1 (MANE Select); coding-DNA position 925, C replaced by T.
Protein change: p.Pro309Ser; replaces proline 309 with serine.
Molecular consequence: missense variant.
Genome position (GRCh38, 1-based): chr2:209,793,846, C>T. VCF-style: chr2-209793846-C-T. GRCh37 (hg19) VCF-style: chr2-210658570-C-T.
Other names: c.925C>T, p.Pro309Ser (NM_032504.2, NM_182587.4); short protein forms P309S.
Identifiers: ClinVar variation 2101899 (VCV002101899.4), dbSNP rs1559100597, ClinGen allele CA350132625.